The following is an entry in ClinVar:

NM_001759.4(CCND2):c.272T>G (p.Val91Gly)

Genes: CCND2-AS1 (CCND2 antisense RNA 1; minus strand), CCND2 (cyclin D2; plus strand). Cytogenetic location: 12p13.32.
Variant type: single nucleotide variant.
Coding change: c.272T>G on transcript NM_001759.4 (MANE Select); coding-DNA position 272, T replaced by G.
Protein change: p.Val91Gly; replaces valine 91 with glycine.
Molecular consequence: missense variant. On other transcripts: non-coding transcript variant (1).
Genome position (GRCh38, 1-based): chr12:4,276,081, T>G. VCF-style: chr12-4276081-T-G. GRCh37 (hg19) VCF-style: chr12-4385247-T-G.
Other names: short protein forms V91G.
Identifiers: ClinVar variation 3906693 (VCV003906693.1).

ClinVar aggregate classification (germline): Uncertain significance (1 of 4 stars; one submission).

Submission:

GeneDx
Classification: Uncertain significance. Last evaluated: 2024-12-18. Review status: criteria provided, single submitter. Criteria: GeneDx Variant Classification Process June 2021. Collection method: clinical testing. Allele origin: germline. Affected: yes.
Comment: Not observed at significant frequency in large population cohorts (gnomAD); In silico analysis supports that this missense variant has a deleterious effect on protein structure/function; Has not been previously published as pathogenic or benign to our knowledge